The following is an entry in ClinVar:

NM_000733.4(CD3E):c.520+2T>C

Gene: CD3E (CD3 epsilon subunit of T-cell receptor complex; plus strand). Cytogenetic location: 11q23.3.
Variant type: single nucleotide variant.
Coding change: c.520+2T>C on transcript NM_000733.4 (MANE Select); the canonical splice donor site of the intron after coding-DNA position 520, T replaced by C.
Molecular consequence: splice donor variant.
Genome position (GRCh38, 1-based): chr11:118,313,876, T>C. VCF-style: chr11-118313876-T-C. GRCh37 (hg19) VCF-style: chr11-118184591-T-C.
Other names: IVS7DS, T-C, +2.
Identifiers: ClinVar variation 12744 (VCV000012744.5), dbSNP rs483352928, ClinGen allele CA150566.

ClinVar aggregate classification (germline): Likely pathogenic. Review status: criteria provided, single submitter (1 of 4 stars). 2 submissions from 2 submitters: Likely pathogenic (1). 1 of the submissions does not count toward it. Last evaluated 2023-09-30.

Conditions:
Immunodeficiency 18 (IMD18). Also called: CD3epsilon deficiency; CD3-EPSILON DEFICIENCY. Identifiers: MedGen C3810127, MONDO:0014278, OMIM 615615.

Allele frequency attached by ClinVar (database versions not stated): TOPMed below 0.00001; gnomAD exomes 0.00001.
gnomAD v4.1: 8 of 1,612,536 alleles (0.0005%); highest among the groups gnomAD compares: Non-Finnish European, 0.00068%; no homozygotes.

Submissions (2):

Labcorp Genetics (formerly Invitae), Labcorp
Classification: Likely pathogenic for Immunodeficiency 18. Last evaluated: 2023-09-30. Review status: criteria provided, single submitter. Criteria: Invitae Variant Classification Sherloc (09022015). Collection method: clinical testing. Allele origin: germline.
Comment: This sequence change affects a donor splice site in intron 7 of the CD3E gene. RNA analysis indicates that disruption of this splice site induces altered splicing and likely results in a shortened protein product. This variant is not present in population databases (gnomAD no frequency). Disruption of this splice site has been observed in individual(s) with severe combined immunodeficiency (PMID: 8490660). In at least one individual the data is consistent with being in trans (on the opposite chromosome) from a pathogenic variant. ClinVar contains an entry for this variant (Variation ID: 12744). Studies have shown that disruption of this splice site results in skipping of exon 7, but is expected to preserve the integrity of the reading-frame (PMID: 8490660). In summary, the currently available evidence indicates that the variant is pathogenic, but additional data are needed to prove that conclusively. Therefore, this variant has been classified as Likely Pathogenic.

OMIM
Classification: Pathogenic for IMMUNODEFICIENCY 18. Last evaluated: 1993-01-01. Review status: no assertion criteria provided. Collection method: literature only. Allele origin: germline. Not counted in ClinVar's aggregate classification.

Literature cited by the submitters: PubMed 8490660 (cited by Labcorp Genetics (formerly Invitae), Labcorp and OMIM); PubMed 1676369 (cited by OMIM); PubMed 1370449 (cited by OMIM).